The following is an entry in ClinVar:

NM_152722.5(HEPACAM):c.893G>A (p.Arg298Gln)

Gene: HEPACAM (hepatic and glial cell adhesion molecule; minus strand). Cytogenetic location: 11q24.2.
Variant type: single nucleotide variant.
Coding change: c.893G>A on transcript NM_152722.5 (MANE Select); coding-DNA position 893, G replaced by A.
Protein change: p.Arg298Gln; replaces arginine 298 with glutamine.
Molecular consequence: missense variant.
Genome position (GRCh38, 1-based): chr11:124,922,443, C>T on the plus strand (G>A on the coding strand, the complement: HEPACAM is on the minus strand). VCF-style: chr11-124922443-C-T. GRCh37 (hg19) VCF-style: chr11-124792339-C-T.
Other names: short protein forms R298Q.
Identifiers: ClinVar variation 450073 (VCV000450073.2), dbSNP rs1464489453, ClinGen allele CA383138674.

ClinVar aggregate classification (germline): Uncertain significance (1 of 4 stars; one submission).

Allele frequency attached by ClinVar (database versions not stated): gnomAD exomes below 0.00001; gnomAD 0.00001; TOPMed 0.00001 and 0.00002.
gnomAD v4.1: 5 of 1,614,010 alleles (0.00031%); highest among the groups gnomAD compares: South Asian, 0.0011%; no homozygotes.

Submission:

GeneDx
Classification: Uncertain significance. Last evaluated: 2018-03-07. Review status: criteria provided, single submitter. Criteria: GeneDx Variant Classification (06012015). Collection method: clinical testing. Allele origin: germline. Affected: yes.
Comment: The R298Q variant in the HEPACAM gene has not been reported previously as a pathogenic variant, nor as a benign variant, to our knowledge. The R298Q variant is not observed in large population cohorts (Lek et al., 2016; 1000 Genomes Consortium et al., 2015; Exome Variant Server). The R298Q variant is a semi-conservative amino acid substitution, which may impact secondary protein structure as these residues differ in some properties. This substitution occurs at a position that is conserved across species. In silico analysis is inconsistent in its predictions as to whether or not the variant is damaging to the protein structure/function. We interpret R298Q as a variant of uncertain significance.